The following is an entry in ClinVar:

NM_004614.5(TK2):c.425T>G (p.Ile142Ser)

Gene: TK2 (thymidine kinase 2; minus strand). Cytogenetic location: 16q21.
Variant type: single nucleotide variant.
Coding change: c.425T>G on transcript NM_004614.5 (MANE Select); coding-DNA position 425, T replaced by G.
Protein change: p.Ile142Ser; replaces isoleucine 142 with serine.
Molecular consequence: missense variant. On other transcripts: non-coding transcript variant (1).
Genome position (GRCh38, 1-based): chr16:66,529,018, A>C on the plus strand (T>G on the coding strand, the complement: TK2 is on the minus strand). VCF-style: chr16-66529018-A-C. GRCh37 (hg19) VCF-style: chr16-66562921-A-C.
Other names: c.332T>G, p.Ile111Ser (NM_001172643.1, NM_001271935.1); c.350T>G, p.Ile117Ser (NM_001172644.2); c.371T>G, p.Ile124Ser (NM_001172645.2); c.278T>G, p.Ile93Ser (NM_001271934.2); c.134T>G, p.Ile45Ser (NM_001272050.2); short protein forms I124S, I111S, I142S, I45S, I117S, I93S.
Identifiers: ClinVar variation 2094662 (VCV002094662.4), dbSNP rs2507130077, ClinGen allele CA396189837.

ClinVar aggregate classification (germline): Uncertain significance (1 of 4 stars; one submission).

Submission:

Labcorp Genetics (formerly Invitae), Labcorp
Classification: Uncertain significance. Last evaluated: 2022-02-08. Review status: criteria provided, single submitter. Criteria: Invitae Variant Classification Sherloc (09022015). Collection method: clinical testing. Allele origin: germline.
Comment: In summary, the available evidence is currently insufficient to determine the role of this variant in disease. Therefore, it has been classified as a Variant of Uncertain Significance. Algorithms developed to predict the effect of missense changes on protein structure and function are either unavailable or do not agree on the potential impact of this missense change (SIFT: "Deleterious"; PolyPhen-2: "Possibly Damaging"; Align-GVGD: "Class C0"). This variant has not been reported in the literature in individuals affected with TK2-related conditions. This variant is not present in population databases (gnomAD no frequency). This sequence change replaces isoleucine, which is neutral and non-polar, with serine, which is neutral and polar, at codon 142 of the TK2 protein (p.Ile142Ser).